The following is an entry in ClinVar:

ClinVar aggregate classification (germline): Uncertain significance (1 of 4 stars; one submission).

Conditions:
Hepatic methionine adenosyltransferase deficiency. Also called: Deficiency of methionine adenosyltransferase; MAT I/III DEFICIENCY; Isolated Persistent Hypermethioninemia; Methionine adenosyltransferase deficiency. Identifiers: Orphanet 168598, MedGen C0268621, MeSH C564683, MONDO:0009607, OMIM 250850.

Allele frequency attached by ClinVar (database versions not stated): gnomAD exomes below 0.00001 and 0.00001; ExAC 0.00001.
gnomAD v4.1: 17 of 1,614,036 alleles (0.0011%); highest among the groups gnomAD compares: African/African-American, 0.004%; no homozygotes.

Submission:

Labcorp Genetics (formerly Invitae), Labcorp
Classification: Uncertain significance for Hepatic methionine adenosyltransferase deficiency. Last evaluated: 2024-08-05. Review status: criteria provided, single submitter. Criteria: Invitae Variant Classification Sherloc (09022015). Collection method: clinical testing. Allele origin: germline.
Comment: This sequence change replaces glycine, which is neutral and non-polar, with serine, which is neutral and polar, at codon 63 of the MAT1A protein (p.Gly63Ser). This variant is present in population databases (rs770323371, gnomAD 0.0009%). This variant has not been reported in the literature in individuals affected with MAT1A-related conditions. ClinVar contains an entry for this variant (Variation ID: 1505512). Advanced modeling of protein sequence and biophysical properties (such as structural, functional, and spatial information, amino acid conservation, physicochemical variation, residue mobility, and thermodynamic stability) performed at Invitae indicates that this missense variant is not expected to disrupt MAT1A protein function with a negative predictive value of 80%. In summary, the available evidence is currently insufficient to determine the role of this variant in disease. Therefore, it has been classified as a Variant of Uncertain Significance.

NM_000429.3(MAT1A):c.187G>A (p.Gly63Ser)

Gene: MAT1A (methionine adenosyltransferase 1A; minus strand). Cytogenetic location: 10q22.3.
Variant type: single nucleotide variant.
Coding change: c.187G>A on transcript NM_000429.3 (MANE Select); coding-DNA position 187, G replaced by A.
Protein change: p.Gly63Ser; replaces glycine 63 with serine.
Molecular consequence: missense variant.
Genome position (GRCh38, 1-based): chr10:80,284,021, C>T on the plus strand (G>A on the coding strand, the complement: MAT1A is on the minus strand). VCF-style: chr10-80284021-C-T. GRCh37 (hg19) VCF-style: chr10-82043777-C-T.
Other names: short protein forms G63S.
Identifiers: ClinVar variation 1505512 (VCV001505512.8), dbSNP rs770323371, ClinGen allele CA5576857.